The following is an entry in ClinVar:

NM_003737.4(DCHS1):c.259G>A (p.Gly87Ser)

Gene: DCHS1 (dachsous cadherin-related 1; minus strand). Cytogenetic location: 11p15.4.
Variant type: single nucleotide variant.
Coding change: c.259G>A on transcript NM_003737.4 (MANE Select); coding-DNA position 259, G replaced by A.
Protein change: p.Gly87Ser; replaces glycine 87 with serine.
Molecular consequence: missense variant.
Genome position (GRCh38, 1-based): chr11:6,641,355, C>T on the plus strand (G>A on the coding strand, the complement: DCHS1 is on the minus strand). VCF-style: chr11-6641355-C-T. GRCh37 (hg19) VCF-style: chr11-6662586-C-T.
Other names: short protein forms G87S.
Identifiers: ClinVar variation 2192845 (VCV002192845.4), dbSNP rs774716860, ClinGen allele CA5861186.

ClinVar aggregate classification (germline): Uncertain significance (1 of 4 stars; one submission).

Allele frequency attached by ClinVar (database versions not stated): ExAC 0.00001; TOPMed 0.00001; gnomAD exomes 0.00003.
gnomAD v4.1: 42 of 1,613,560 alleles (0.0026%); highest among the groups gnomAD compares: Non-Finnish European, 0.0031%; no homozygotes.

Submission:

Labcorp Genetics (formerly Invitae), Labcorp
Classification: Uncertain significance. Last evaluated: 2024-07-24. Review status: criteria provided, single submitter. Criteria: Invitae Variant Classification Sherloc (09022015). Collection method: clinical testing. Allele origin: germline.
Comment: This sequence change replaces glycine, which is neutral and non-polar, with serine, which is neutral and polar, at codon 87 of the DCHS1 protein (p.Gly87Ser). This variant is present in population databases (rs774716860, gnomAD 0.008%). This variant has not been reported in the literature in individuals affected with DCHS1-related conditions. ClinVar contains an entry for this variant (Variation ID: 2192845). Advanced modeling of protein sequence and biophysical properties (such as structural, functional, and spatial information, amino acid conservation, physicochemical variation, residue mobility, and thermodynamic stability) performed at Invitae indicates that this missense variant is not expected to disrupt DCHS1 protein function with a negative predictive value of 95%. In summary, the available evidence is currently insufficient to determine the role of this variant in disease. Therefore, it has been classified as a Variant of Uncertain Significance.